The following is an entry in ClinVar:

ClinVar aggregate classification (germline): Benign/Likely benign. Review status: criteria provided, multiple submitters, no conflicts (2 of 4 stars). 4 submissions from 4 submitters: Benign (1); Likely benign (3). Last evaluated 2026-01-31.

Conditions:
Renal cell carcinoma. Identifiers: Orphanet 217071, MedGen C0007134, MeSH D002292, MONDO:0005086, HP:0005584.
Hereditary cancer-predisposing syndrome. Also called: Hereditary Cancer Syndrome; Neoplastic Syndromes, Hereditary; Hereditary neoplastic syndrome; Tumor predisposition. Identifiers: Orphanet 140162, MedGen C0027672, MeSH D009386, MONDO:0015356.
Papillary renal cell carcinoma type 1 (RCCP1). Also called: RENAL CELL CARCINOMA, PAPILLARY, 1, SOMATIC; Renal adenocarcinoma; Renal cell carcinoma 1; Renal cell carcinoma, somatic. Identifiers: Orphanet 47044, MedGen C1336839, OMIM 605074, HP:0011797.

Allele frequency attached by ClinVar (database versions not stated): ExAC 0.00001; gnomAD exomes 0.00001.
gnomAD v4.1: 4 of 1,613,814 alleles (0.00025%); highest among the groups gnomAD compares: Admixed American, 0.0017%; no homozygotes.

Submissions (4):

Labcorp Genetics (formerly Invitae), Labcorp
Classification: Likely benign for Renal cell carcinoma. Last evaluated: 2026-01-31. Review status: criteria provided, single submitter. Criteria: Invitae Variant Classification Sherloc (09022015). Collection method: clinical testing. Allele origin: germline.

Myriad Genetics, Inc.
Classification: Benign for Papillary renal cell carcinoma type 1. Last evaluated: 2024-11-08. Review status: criteria provided, single submitter. Criteria: Myriad Autosomal Dominant, Autosomal Recessive and X-Linked Classification Criteria (2023). Collection method: clinical testing. Allele origin: unknown.
Comment: This variant is considered benign. This variant is a silent/synonymous amino acid change and it is not expected to impact splicing.

Ambry Genetics
Classification: Likely benign for Hereditary cancer-predisposing syndrome. Last evaluated: 2022-11-15. Review status: criteria provided, single submitter. Criteria: Ambry Variant Classification Scheme 2023. Collection method: clinical testing. Allele origin: germline.

Sema4
Classification: Likely benign for Hereditary cancer-predisposing syndrome. Last evaluated: 2021-03-14. Review status: criteria provided, single submitter. Criteria: Sema4 Curation Guidelines. Collection method: curation. Allele origin: germline.

NM_000245.4(MET):c.2124A>G (p.Glu708=)

Gene: MET (MET proto-oncogene, receptor tyrosine kinase; plus strand). Cytogenetic location: 7q31.2.
Variant type: single nucleotide variant.
Coding change: c.2124A>G on transcript NM_000245.4 (MANE Select); coding-DNA position 2124, A replaced by G.
Protein change: p.Glu708=; no amino-acid change (glutamic acid 708 retained).
Molecular consequence: synonymous variant.
Genome position (GRCh38, 1-based): chr7:116,758,480, A>G. VCF-style: chr7-116758480-A-G. GRCh37 (hg19) VCF-style: chr7-116398534-A-G.
Other names: c.2124A>G, p.Glu708= (NM_001127500.3, NM_001324401.3); c.834A>G, p.Glu278= (NM_001324402.2).
Identifiers: ClinVar variation 1092343 (VCV001092343.12), dbSNP rs769757694, ClinGen allele CA4448413.